The following is an entry in ClinVar:

NM_000219.6(KCNE1):c.58A>C (p.Thr20Pro)

Gene: KCNE1 (potassium voltage-gated channel subfamily E regulatory subunit 1; minus strand). Cytogenetic location: 21q22.12.
Variant type: single nucleotide variant.
Coding change: c.58A>C on transcript NM_000219.6 (MANE Select); coding-DNA position 58, A replaced by C.
Protein change: p.Thr20Pro; replaces threonine 20 with proline.
Molecular consequence: missense variant.
Genome position (GRCh38, 1-based): chr21:34,449,577, T>G on the plus strand (A>C on the coding strand, the complement: KCNE1 is on the minus strand). VCF-style: chr21-34449577-T-G. GRCh37 (hg19) VCF-style: chr21-35821875-T-G.
Other names: c.58A>C, p.Thr20Pro (NM_001127668.4, NM_001127669.4, NM_001127670.4 and 4 more transcripts); short protein forms T20P.
Identifiers: ClinVar variation 3373930 (VCV003373930.2).

Conditions:
Long QT syndrome 5 (LQT5). Identifiers: Orphanet 101016, Orphanet 768, MedGen C1867904, MONDO:0013372, OMIM 613695.

Submission:

Roden Lab, Vanderbilt University Medical Center
No classification provided (evidence only). Condition: Long QT syndrome 5. Review status: no classification provided. Collection method: in vitro. Allele origin: not applicable. Functional consequence: Effect on ion channel function.
ClinVar note: "not provided" was previously submitted as the classification for the variant. However, the classification appeared to be based only on an observation of functional data so it was converted to no classification on 2025-07-30.